The following is an entry in ClinVar:

ClinVar aggregate classification (germline): Likely pathogenic (1 of 4 stars; one submission).

Conditions:
Neuropathy, hereditary sensory and autonomic, type 2A (HSAN2A). Also called: MORVAN DISEASE; NEUROPATHY, CONGENITAL SENSORY; NEUROPATHY, HEREDITARY SENSORY RADICULAR, AUTOSOMAL RECESSIVE; NEUROPATHY, HEREDITARY SENSORY, TYPE IIA; NEUROPATHY, PROGRESSIVE SENSORY, OF CHILDREN; HSAN IIA. Identifiers: Orphanet 970, MedGen C2752089, MONDO:0024309, OMIM 201300.
Generalized epilepsy with febrile seizures plus, type 7 (GEFSP7). Also called: GEFS+, TYPE 7. Identifiers: Orphanet 36387, MedGen C2751778, MONDO:0013470, OMIM 613863.

Submission:

Labcorp Genetics (formerly Invitae), Labcorp
Classification: Likely pathogenic for Neuropathy, hereditary sensory and autonomic, type 2A; Generalized epilepsy with febrile seizures plus, type 7. Last evaluated: 2022-08-13. Review status: criteria provided, single submitter. Criteria: Invitae Variant Classification Sherloc (09022015). Collection method: clinical testing. Allele origin: germline.
Comment: This variant is not present in population databases (gnomAD no frequency). This variant has not been reported in the literature in individuals affected with SCN9A-related conditions. In summary, the currently available evidence indicates that the variant is pathogenic, but additional data are needed to prove that conclusively. Therefore, this variant has been classified as Likely Pathogenic. This sequence change affects a donor splice site in intron 2 of the SCN9A gene. It is expected to disrupt RNA splicing. Variants that disrupt the donor or acceptor splice site typically lead to a loss of protein function (PMID: 16199547), and loss-of-function variants in SCN9A are known to be pathogenic (PMID: 17470132, 19304393).

Literature cited by the submitters: PubMed 16199547; PubMed 17470132; PubMed 19304393.

NM_001365536.1(SCN9A):c.258+2T>C

Gene: SCN9A (sodium voltage-gated channel alpha subunit 9; minus strand). Cytogenetic location: 2q24.3.
Variant type: single nucleotide variant.
Coding change: c.258+2T>C on transcript NM_001365536.1 (MANE Select); the canonical splice donor site of the intron after coding-DNA position 258, T replaced by C.
Molecular consequence: splice donor variant.
Genome position (GRCh38, 1-based): chr2:166,311,497, A>G on the plus strand (T>C on the coding strand, the complement: SCN9A is on the minus strand). VCF-style: chr2-166311497-A-G. GRCh37 (hg19) VCF-style: chr2-167168007-A-G.
Other names: c.258+2T>C (NM_002977.4).
Identifiers: ClinVar variation 2024065 (VCV002024065.4), dbSNP rs2468153527, ClinGen allele CA349095758.